The following is an entry in ClinVar:

NM_001387430.1(SH2B1):c.877C>G (p.Leu293Val)

Gene: SH2B1 (SH2B adaptor protein 1; plus strand). Cytogenetic location: 16p11.2.
Variant type: single nucleotide variant.
Coding change: c.877C>G on transcript NM_001387430.1 (MANE Select); coding-DNA position 877, C replaced by G.
Protein change: p.Leu293Val; replaces leucine 293 with valine.
Molecular consequence: missense variant. On other transcripts: intron variant (1).
Genome position (GRCh38, 1-based): chr16:28,866,971, C>G. VCF-style: chr16-28866971-C-G. GRCh37 (hg19) VCF-style: chr16-28878292-C-G.
Other names: c.877C>G, p.Leu293Val (NM_001145795.2, NM_001145796.2, NM_001145797.2 and 4 more transcripts); c.-26-403C>G (NM_001308294.2); short protein forms L293V.
Identifiers: ClinVar variation 2631736 (VCV002631736.3), dbSNP rs940835451, ClinGen allele CA279250791.

ClinVar aggregate classification (germline): Uncertain significance. Review status: criteria provided, single submitter (1 of 4 stars). 2 submissions from 2 submitters: Uncertain significance (1). 1 of the submissions does not count toward it. Last evaluated 2025-04-15.

Conditions:
SH2B1-related disorder. Also called: SH2B1-related condition.

Allele frequency attached by ClinVar (database versions not stated): TOPMed below 0.00001.
gnomAD v4.1: 2 of 1,606,302 alleles (0.00012%); highest among the groups gnomAD compares: Non-Finnish European, 0.00017%; no homozygotes.

Submissions (2):

Ambry Genetics
Classification: Uncertain significance. Last evaluated: 2025-04-15. Review status: criteria provided, single submitter. Criteria: Ambry Variant Classification Scheme 2023. Collection method: clinical testing. Allele origin: germline.

PreventionGenetics, part of Exact Sciences
Classification: Uncertain significance for SH2B1-related condition. Last evaluated: 2024-03-28. Review status: no assertion criteria provided. Collection method: clinical testing. Allele origin: germline. Not counted in ClinVar's aggregate classification.
Comment: The SH2B1 c.877C>G variant is predicted to result in the amino acid substitution p.Leu293Val. To our knowledge, this variant has not been reported in the literature. This variant is reported in 0.00091% of alleles in individuals of European (Non-Finnish) descent in gnomAD. At this time, the clinical significance of this variant is uncertain due to the absence of conclusive functional and genetic evidence.